The following is an entry in ClinVar:

NM_000402.4(G6PD):c.1429G>A (p.Gly477Arg)

Gene: G6PD (glucose-6-phosphate dehydrogenase; minus strand). Cytogenetic location: Xq28.
Variant type: single nucleotide variant.
Coding change: c.1429G>A on transcript NM_000402.4; coding-DNA position 1429, G replaced by A.
Protein change: p.Gly477Arg; replaces glycine 477 with arginine.
Molecular consequence: missense variant.
Genome position (GRCh38, 1-based): chrX:154,532,411, C>T on the plus strand (G>A on the coding strand, the complement: G6PD is on the minus strand). VCF-style: chrX-154532411-C-T. GRCh37 (hg19) VCF-style: chrX-153760626-C-T.
Other names: G6PD, GLY447ARG; G6PD Morioka; G6PD Santiago de Cuba; c.1339G>A, p.Gly447Arg (NM_001042351.3, NM_001360016.2); short protein forms G447R, G477R.
Identifiers: ClinVar variation 10371 (VCV000010371.12), dbSNP rs137852317, ClinGen allele CA120961.

ClinVar aggregate classification (germline): Pathogenic/Likely pathogenic. Review status: criteria provided, multiple submitters, no conflicts (2 of 4 stars). 5 submissions from 4 submitters: Pathogenic (2); Likely pathogenic (1). 2 of the submissions do not count toward it. Last evaluated 2022-08-12.

Conditions:
Malaria, susceptibility to. Identifiers: Orphanet 673, MedGen C1970028, MONDO:0021024, OMIM 611162.
Anemia, nonspherocytic hemolytic, due to G6PD deficiency (CNSHA1). Also called: Class I glucose-6-phosphate dehydrogenase deficiency; ANEMIA, CONGENITAL, NONSPHEROCYTIC HEMOLYTIC, 1; Hemolytic anemia due to G6PD deficiency; Favism, susceptibility to. Identifiers: Orphanet 466026, MedGen C2720289, MONDO:0010480, OMIM 300908.
G6PD SANTIAGO DE CUBA.

Submissions (5):

Dunham Lab, University of Washington
Classification: Pathogenic for Anemia, nonspherocytic hemolytic, due to G6PD deficiency. Last evaluated: 2022-08-12. Review status: criteria provided, single submitter. Criteria: Bayesian ACMG Guidelines, 2018. Collection method: curation. Allele origin: de novo. Affected: yes.
Comment: Variant found in unrelated hemizygotes with deficiency and jaundice, acute anemia, and CNSHA (PS4_M, PP4). In one family, variant segregates with deficiency (PP1). In another, hemizygote with CNSHA does not have variant, so assumed de novo (PM6). Decreased activity in red blood cells of hemizygotes (1-5%) (PS3). Not found in gnomAD (PM2). Reported as pathogenic by Eurofins (PP5). Post_P 0.999 (odds of pathogenicity 13661, Prior_P 0.1).

Fulgent Genetics
Classification: Likely pathogenic for Anemia, nonspherocytic hemolytic, due to G6PD deficiency; Malaria, susceptibility to. Last evaluated: 2022-05-03. Review status: criteria provided, single submitter. Criteria: ACMG Guidelines, 2015. Collection method: clinical testing. Allele origin: unknown.

Eurofins Ntd Llc (ga)
Classification: Pathogenic. Last evaluated: 2013-10-18. Review status: criteria provided, single submitter. Criteria: EGL Classification Definitions. Collection method: clinical testing. Allele origin: germline. Observed: 1 variant allele, 1 heterozygote.

OMIM
Classification: other for G6PD SANTIAGO DE CUBA. Last evaluated: 1989-07-25. Review status: no assertion criteria provided. Collection method: literature only. Allele origin: germline. Not counted in ClinVar's aggregate classification.

OMIM
Classification: Pathogenic for ANEMIA, CONGENITAL, NONSPHEROCYTIC HEMOLYTIC, 1. Last evaluated: 1989-07-25. Review status: no assertion criteria provided. Collection method: literature only. Allele origin: germline. Not counted in ClinVar's aggregate classification.

Literature cited by the submitters: PubMed 3393536 (cited by Dunham Lab, University of Washington); PubMed 20200584 (cited by Dunham Lab, University of Washington); PubMed 9192788 (cited by Dunham Lab, University of Washington); PubMed 2503817 (cited by OMIM).